The following is an entry in ClinVar:

ClinVar aggregate classification (germline): Pathogenic. Review status: criteria provided, multiple submitters, no conflicts (2 of 4 stars). 2 submissions from 2 submitters: Pathogenic (2). Last evaluated 2025-10-06.

Conditions:
Hereditary cancer-predisposing syndrome. Also called: Neoplastic Syndromes, Hereditary; Hereditary Cancer Syndrome; Tumor predisposition; Hereditary neoplastic syndrome. Identifiers: Orphanet 140162, MedGen C0027672, MeSH D009386, MONDO:0015356.
Ataxia-telangiectasia syndrome (AT). Also called: LOUIS-BAR SYNDROME; Cerebello-oculocutaneous telangiectasia; Immunodeficiency with ataxia telangiectasia; Ataxia-telangiectasia, complementation group D; AT, COMPLEMENTATION GROUP C; Ataxia-telangiectasia, complementation group E. Identifiers: Orphanet 100, MedGen C0004135, MONDO:0008840, OMIM 208900.

Submissions (2):

Color Diagnostics, LLC DBA Color Health
Classification: Pathogenic for Hereditary cancer-predisposing syndrome. Last evaluated: 2025-10-06. Review status: criteria provided, single submitter. Criteria: ACMG Guidelines, 2015. Collection method: clinical testing. Allele origin: germline.
Comment: This variant deletes 1 nucleotide in exon 41 of the ATM gene, creating a frameshift and premature translation stop signal. This variant is expected to result in an absent or non-functional protein product. To our knowledge, this variant has not been reported in individuals affected with ATM-related disorders in the literature. This variant has not been identified in the general population by the Genome Aggregation Database (gnomAD). Loss of ATM function is a known mechanism of disease. Based on the available evidence, this variant is classified as Pathogenic.

Labcorp Genetics (formerly Invitae), Labcorp
Classification: Pathogenic for Ataxia-telangiectasia syndrome. Last evaluated: 2017-01-10. Review status: criteria provided, single submitter. Criteria: Invitae Variant Classification Sherloc (09022015). Collection method: clinical testing. Allele origin: germline.
Comment: For these reasons, this variant has been classified as Pathogenic. While this particular variant has not been reported in the literature, loss-of-function variants in ATM are known to be pathogenic (PMID: 10817650, 19781682). This sequence change deletes 1 nucleotide from exon 41 of the ATM mRNA (c.6080delT), causing a frameshift at codon 2027. This creates a premature translational stop signal (p.Leu2027Tyrfs*20) and is expected to result in an absent or disrupted protein product.

Literature cited by the submitters: PubMed 10817650 (cited by Labcorp Genetics (formerly Invitae), Labcorp); PubMed 19781682 (cited by Labcorp Genetics (formerly Invitae), Labcorp).

NM_000051.4(ATM):c.6080del (p.Leu2027fs)

Genes: ATM (ATM serine/threonine kinase; plus strand), C11orf65 (chromosome 11 open reading frame 65; minus strand). Cytogenetic location: 11q22.3.
Variant type: Deletion.
Coding change: c.6080del on transcript NM_000051.4 (MANE Select); coding-DNA position 6080, one base deleted (T; older notation c.6080delT).
Protein change: p.Leu2027fs; shifts the reading frame from leucine 2027.
Molecular consequence: frameshift variant. On other transcripts: intron variant (2).
Genome position (GRCh38, 1-based): chr11:108,315,896, T deleted; the last of 2 consecutive T bases (chr11:108,315,895-108,315,896); deleting either gives the same sequence. VCF-style (leftmost placement, unchanged base first): chr11-108315894-GT-G. GRCh37 (hg19) VCF-style: chr11-108186621-GT-G.
Other names: c.6080delT, p.Leu2027Tyrfs (NM_000051.3); c.6080del, p.Leu2027fs (NM_001351834.2); c.641-6824del (NM_001330368.2); c.*39-6824del (NM_001351110.2); short protein forms L2027fs.
Identifiers: ClinVar variation 407479 (VCV000407479.13), dbSNP rs1060501548, ClinGen allele CA16613460.
Genomic context (GRCh38, chr11:108,315,894, plus strand): 5'-AGAAATCTACAGAAGTATAGGGGAGCCAGATAGTTTGTATGGCTGTGGTGGAGGGAAGAT[GT>G]TACAACCCATTACTAGGTAAATTGCATTTTTCTAAACAACGGTATAGTAATTCTGTTTAT-3'